The following is an entry in ClinVar:

NM_004168.4(SDHA):c.314_315delinsTT (p.Gly105Val)

Gene: SDHA (succinate dehydrogenase complex flavoprotein subunit A; plus strand). Cytogenetic location: 5p15.33.
Variant type: Indel.
Coding change: c.314_315delinsTT on transcript NM_004168.4 (MANE Select); coding-DNA positions 314 to 315, GA replaced by TT.
Protein change: p.Gly105Val; replaces glycine 105 with valine.
Molecular consequence: missense variant. On other transcripts: intron variant (1).
Genome position (GRCh38, 1-based): chr5:225,420-225,421, GA replaced by TT. VCF-style: chr5-225420-GA-TT. GRCh37 (hg19) VCF-style: chr5-225535-GA-TT.
Other names: c.314_315delinsTT, p.Gly105Val (NM_001330758.2); c.313-463_313-462delinsTT (NM_001294332.2); short protein forms G105V.
Identifiers: ClinVar variation 947002 (VCV000947002.10), dbSNP rs1734953252, ClinGen allele CA1139658721.
Genomic context (GRCh38, chr5:225,420, plus strand): 5'-CTGGAAGACAAAGTTGGCGCTCCTGTTTGTGGCTTGTAAGGAGTGGTTGGTGTTTCCAGG[GA>TT]GGAATCAATGCTGCTCTGGGGAACATGGAGGAGGACAACTGGAGGTGGCATTTCTACGAC-3'
Protein context (NP_004159.2, residues 95-115): PTRSHTVAAQ[Gly105Val]GINAALGNME

ClinVar aggregate classification (germline): Uncertain significance (1 of 4 stars; one submission).

Conditions:
Mitochondrial complex II deficiency, nuclear type 1. Also called: SUCCINATE CoQ REDUCTASE DEFICIENCY. Identifiers: Orphanet 3208, MedGen C5700310, MONDO:0100294, OMIM 252011.
Pheochromocytoma/paraganglioma syndrome 5. Also called: Paragangliomas 5; SDHA-Related Hereditary Paraganglioma-Pheochromocytoma Syndrome. Identifiers: Orphanet 29072, MedGen C3279992, MONDO:0013602, OMIM 614165.

Submission:

Labcorp Genetics (formerly Invitae), Labcorp
Classification: Uncertain significance for Pheochromocytoma/paraganglioma syndrome 5; Mitochondrial complex II deficiency, nuclear type 1. Last evaluated: 2025-08-07. Review status: criteria provided, single submitter. Criteria: Invitae Variant Classification Sherloc (09022015). Collection method: clinical testing. Allele origin: germline.
Comment: This sequence change replaces glycine, which is neutral and non-polar, with valine, which is neutral and non-polar, at codon 105 of the SDHA protein (p.Gly105Val). Information on the frequency of this variant in the gnomAD database is not available, as this variant may be reported differently in the database. This variant has not been reported in the literature in individuals affected with SDHA-related conditions. ClinVar contains an entry for this variant (Variation ID: 947002). An algorithm developed to predict the effect of missense changes on protein structure and function (PolyPhen-2) suggests that this variant is likely to be disruptive. In summary, the available evidence is currently insufficient to determine the role of this variant in disease. Therefore, it has been classified as a Variant of Uncertain Significance.